The following is an entry in ClinVar:

ClinVar aggregate classification (germline): Uncertain significance (1 of 4 stars; one submission).

Conditions:
Tuberous sclerosis 1 (TSC1). Identifiers: Orphanet 805, MedGen C1854465, MONDO:0008612, OMIM 191100.

Submission:

Labcorp Genetics (formerly Invitae), Labcorp
Classification: Uncertain significance for Tuberous sclerosis 1. Last evaluated: 2022-09-02. Review status: criteria provided, single submitter. Criteria: Invitae Variant Classification Sherloc (09022015). Collection method: clinical testing. Allele origin: germline.
Comment: Algorithms developed to predict the effect of missense changes on protein structure and function are either unavailable or do not agree on the potential impact of this missense change (SIFT: "Deleterious"; PolyPhen-2: "Probably Damaging"; Align-GVGD: "Class C0"). This variant has not been reported in the literature in individuals affected with TSC1-related conditions. This variant is not present in population databases (gnomAD no frequency). This sequence change replaces aspartic acid, which is acidic and polar, with histidine, which is basic and polar, at codon 74 of the TSC1 protein (p.Asp74His). In summary, the available evidence is currently insufficient to determine the role of this variant in disease. Therefore, it has been classified as a Variant of Uncertain Significance.

NM_000368.5(TSC1):c.220G>C (p.Asp74His)

Gene: TSC1 (TSC complex subunit 1; minus strand). Cytogenetic location: 9q34.13.
Variant type: single nucleotide variant.
Coding change: c.220G>C on transcript NM_000368.5 (MANE Select); coding-DNA position 220, G replaced by C.
Protein change: p.Asp74His; replaces aspartic acid 74 with histidine.
Molecular consequence: missense variant. On other transcripts: 5 prime UTR variant (1), intron variant (1).
Genome position (GRCh38, 1-based): chr9:132,925,730, C>G on the plus strand (G>C on the coding strand, the complement: TSC1 is on the minus strand). VCF-style: chr9-132925730-C-G. GRCh37 (hg19) VCF-style: chr9-135801117-C-G.
Other names: c.220G>C, p.Asp74His (NM_001162426.2, NM_001406592.1, NM_001406593.1 and 16 more transcripts); c.-144G>C (NM_001362177.2, NM_001406617.1, NM_001406618.1 and 5 more transcripts); c.-236G>C (NM_001406614.1, NM_001406616.1, NM_001406624.1); c.-269G>C (NM_001406615.1, NM_001406623.1); c.-658G>C (NM_001406626.1, NM_001406627.1, NM_001406628.1); c.-800G>C (NM_001406629.1); c.-874G>C (NM_001406630.1); c.210+1471G>C (NM_001162427.2); short protein forms D74H.
Identifiers: ClinVar variation 1718717 (VCV001718717.5), dbSNP rs2132238980, ClinGen allele CA375374854.
Genomic context (GRCh38, chr9:132,925,730, plus strand): 5'-CCAGTAACGAGAGGATGGATAAACGAGTGGCGGCTTTGCCCACATATTCGTTAATCCTGT[C>G]CAAGAGGTGCTGAAAATGTAAAAGAACAAGGGCAGTCCTCACATGAATGTATGAAGTTAA-3'
Protein context (NP_000359.1, residues 64-84): LQEPHDKHLL[Asp74His]RINEYVGKAA